The following is an entry in ClinVar:

NM_178014.4(TUBB):c.968T>C (p.Met323Thr)

Gene: TUBB (tubulin beta class I; plus strand). Cytogenetic location: 6p21.33.
Variant type: single nucleotide variant.
Coding change: c.968T>C on transcript NM_178014.4 (MANE Select); coding-DNA position 968, T replaced by C.
Protein change: p.Met323Thr; replaces methionine 323 with threonine.
Molecular consequence: missense variant. On other transcripts: non-coding transcript variant (1), intron variant (1).
Genome position (GRCh38, 1-based): chr6:30,724,030, T>C. VCF-style: chr6-30724030-T-C. GRCh37 (hg19) VCF-style: chr6-30691807-T-C.
Other names: c.1028T>C, p.Met343Thr (NM_001293212.2); c.836T>C, p.Met279Thr (NM_001293214.2); c.752T>C, p.Met251Thr (NM_001293215.2, NM_001293216.2); c.370-8T>C (NM_001293213.2); short protein forms M251T, M279T, M323T, M343T.
Identifiers: ClinVar variation 2442458 (VCV002442458.2), dbSNP rs2536609405, ClinGen allele CA363149608.

ClinVar aggregate classification (germline): Likely pathogenic (1 of 4 stars; one submission).

Submission:

GeneDx
Classification: Likely pathogenic. Last evaluated: 2025-05-29. Review status: criteria provided, single submitter. Criteria: GeneDx Variant Classification Process June 2021. Collection method: clinical testing. Allele origin: germline. Affected: yes.
Comment: Not observed at significant frequency in large population cohorts (gnomAD); In silico analysis suggests that this missense variant does not alter protein structure/function; Has not been previously published as pathogenic or benign to our knowledge